The following is an entry in ClinVar:

ClinVar aggregate classification (germline): Likely pathogenic (1 of 4 stars; one submission).

Submission:

ARUP Laboratories, Molecular Genetics and Genomics, ARUP Laboratories
Classification: Likely pathogenic. Last evaluated: 2021-07-16. Review status: criteria provided, single submitter. Criteria: ARUP Molecular Germline Variant Investigation Process 2021. Collection method: clinical testing. Allele origin: germline.
Comment: The COL2A1 c.2419G>A; p.Gly807Arg variant is reported in the literature in an individual affected with achondrogenesis (Liu 2019). This variant is also absent from general population databases (Exome Variant Server, Genome Aggregation Database), indicating it is not a common polymorphism. This variant disrupts the repeating Gly-X-Y sequence motif of the collagen triple helix and is predicted to impair collagen function (Barat-Houari 2016). Based on available information, this variant is considered to be likely pathogenic.

NM_001844.5(COL2A1):c.2419G>A (p.Gly807Arg)

Gene: COL2A1 (collagen type II alpha 1 chain; minus strand). Cytogenetic location: 12q13.11.
Variant type: single nucleotide variant.
Coding change: c.2419G>A on transcript NM_001844.5 (MANE Select); coding-DNA position 2419, G replaced by A.
Protein change: p.Gly807Arg; replaces glycine 807 with arginine.
Molecular consequence: missense variant.
Genome position (GRCh38, 1-based): chr12:47,981,387, C>T on the plus strand (G>A on the coding strand, the complement: COL2A1 is on the minus strand). VCF-style: chr12-47981387-C-T. GRCh37 (hg19) VCF-style: chr12-48375170-C-T.
Other names: c.2212G>A, p.Gly738Arg (NM_033150.3); short protein forms G738R, G807R.
Identifiers: ClinVar variation 1330972 (VCV001330972.7), dbSNP rs2136542141, ClinGen allele CA384545291.
Genomic context (GRCh38, chr12:47,981,387, plus strand): 5'-AGGGGCAGACACTCACCGGAGCGCCACGAGCACCAGCACTTCCTGCAGGACCAGGAGGTC[C>T]AACTTCTCCCTGAGGGTGGGGAAGGGAGGAAGAGCTGGGGTAAGAAGGTGGGGAGGCAGA-3'
Protein context (NP_001835.3, residues 797-817): AGANGEKGEV[Gly807Arg]PPGPAGSAGA